The following is an entry in ClinVar:

NM_000051.4(ATM):c.3209T>A (p.Val1070Glu)

Gene: ATM (ATM serine/threonine kinase; plus strand). Cytogenetic location: 11q22.3.
Variant type: single nucleotide variant.
Coding change: c.3209T>A on transcript NM_000051.4 (MANE Select); coding-DNA position 3209, T replaced by A.
Protein change: p.Val1070Glu; replaces valine 1070 with glutamic acid.
Molecular consequence: missense variant.
Genome position (GRCh38, 1-based): chr11:108,272,777, T>A. VCF-style: chr11-108272777-T-A. GRCh37 (hg19) VCF-style: chr11-108143504-T-A.
Other names: c.3209T>A, p.Val1070Glu (NM_001351834.2); short protein forms V1070E.
Identifiers: ClinVar variation 1394286 (VCV001394286.8), dbSNP rs2135571268, ClinGen allele CA382515803.

ClinVar aggregate classification (germline): Uncertain significance (1 of 4 stars; one submission).

Conditions:
Ataxia-telangiectasia syndrome (AT). Also called: Ataxia-telangiectasia, complementation group D; Ataxia telangiectasia (A-T); Cerebello-oculocutaneous telangiectasia; Immunodeficiency with ataxia telangiectasia; ATAXIA-TELANGIECTASIA, COMPLEMENTATION GROUP A; ATAXIA-TELANGIECTASIA, FRESNO VARIANT. Identifiers: Orphanet 100, MedGen C0004135, MONDO:0008840, OMIM 208900.

Submission:

Labcorp Genetics (formerly Invitae), Labcorp
Classification: Uncertain significance for Ataxia-telangiectasia syndrome. Last evaluated: 2024-07-18. Review status: criteria provided, single submitter. Criteria: Invitae Variant Classification Sherloc (09022015). Collection method: clinical testing. Allele origin: germline.
Comment: This sequence change replaces valine, which is neutral and non-polar, with glutamic acid, which is acidic and polar, at codon 1070 of the ATM protein (p.Val1070Glu). This variant is not present in population databases (gnomAD no frequency). This variant has not been reported in the literature in individuals affected with ATM-related conditions. ClinVar contains an entry for this variant (Variation ID: 1394286). An algorithm developed to predict the effect of missense changes on protein structure and function (PolyPhen-2) suggests that this variant is likely to be tolerated. In summary, the available evidence is currently insufficient to determine the role of this variant in disease. Therefore, it has been classified as a Variant of Uncertain Significance.